The following is an entry in ClinVar:

ClinVar aggregate classification (germline): Likely pathogenic. Review status: criteria provided, multiple submitters, no conflicts (2 of 4 stars). 2 submissions from 2 submitters: Likely pathogenic (2). Last evaluated 2025-08-17.

Conditions:
ARMC4-related disorders.
Primary ciliary dyskinesia 23 (CILD23). Also called: CILIARY DYSKINESIA, PRIMARY, 23, WITH OR WITHOUT SITUS INVERSUS. Identifiers: Orphanet 244, MedGen C3809548, MONDO:0014193, OMIM 615451.

Allele frequency attached by ClinVar (database versions not stated): gnomAD exomes 0.00004 and 0.00013; ExAC 0.00005; TOPMed 0.00010; gnomAD 0.00011; ESP Exome Variant Server 0.00038.
gnomAD v4.1: 204 of 1,578,328 alleles (0.013%); highest among the groups gnomAD compares: Non-Finnish European, 0.017%; no homozygotes.

Submissions (2):

Labcorp Genetics (formerly Invitae), Labcorp
Classification: Likely pathogenic for Primary ciliary dyskinesia 23. Last evaluated: 2025-08-17. Review status: criteria provided, single submitter. Criteria: Invitae Variant Classification Sherloc (09022015). Collection method: clinical testing. Allele origin: germline.
Comment: This sequence change affects an acceptor splice site in intron 4 of the ARMC4 gene. It is expected to disrupt RNA splicing. Variants that disrupt the donor or acceptor splice site typically lead to a loss of protein function (PMID: 16199547), and loss-of-function variants in ARMC4 are known to be pathogenic (PMID: 23849778). This variant is present in population databases (rs149274011, gnomAD 0.008%). Disruption of this splice site has been observed in individual(s) with primary ciliary dyskinesia (PMID: 34670123). ClinVar contains an entry for this variant (Variation ID: 1323411). Algorithms developed to predict the effect of sequence changes on RNA splicing suggest that this variant may disrupt the consensus splice site. In summary, the currently available evidence indicates that the variant is pathogenic, but additional data are needed to prove that conclusively. Therefore, this variant has been classified as Likely Pathogenic.

Blueprint Genetics
Classification: Likely pathogenic for ARMC4-related disorders. Last evaluated: 2024-05-20. Review status: criteria provided, single submitter. Criteria: ACMG Guidelines, 2015. Collection method: clinical testing. Allele origin: germline. Affected: yes. Observed: 5 variant alleles.

Literature cited by the submitters: PubMed 16199547 (cited by Labcorp Genetics (formerly Invitae), Labcorp); PubMed 23849778 (cited by Labcorp Genetics (formerly Invitae), Labcorp); PubMed 34670123 (cited by Labcorp Genetics (formerly Invitae), Labcorp).

NM_018076.5(ODAD2):c.576-2A>T

Gene: ODAD2 (outer dynein arm docking complex subunit 2; minus strand). Cytogenetic location: 10p12.1.
Variant type: single nucleotide variant.
Coding change: c.576-2A>T on transcript NM_018076.5 (MANE Select); the canonical splice acceptor site of the intron before coding-DNA position 576, A replaced by T.
Molecular consequence: splice acceptor variant.
Genome position (GRCh38, 1-based): chr10:27,984,292, T>A on the plus strand (A>T on the coding strand, the complement: ODAD2 is on the minus strand). VCF-style: chr10-27984292-T-A. GRCh37 (hg19) VCF-style: chr10-28273221-T-A.
Other names: c.576-2A>T (NM_001290020.2).
Identifiers: ClinVar variation 1323411 (VCV001323411.7), dbSNP rs149274011, ClinGen allele CA5453772.